The following is an entry in ClinVar:

NM_201253.3(CRB1):c.1086A>T (p.Gln362His)

Gene: CRB1 (crumbs cell polarity complex component 1; plus strand). Cytogenetic location: 1q31.3.
Variant type: single nucleotide variant.
Coding change: c.1086A>T on transcript NM_201253.3 (MANE Select); coding-DNA position 1086, A replaced by T.
Protein change: p.Gln362His; replaces glutamine 362 with histidine.
Molecular consequence: missense variant. On other transcripts: non-coding transcript variant (2).
Genome position (GRCh38, 1-based): chr1:197,356,928, A>T. VCF-style: chr1-197356928-A-T. GRCh37 (hg19) VCF-style: chr1-197326058-A-T.
Other names: c.750A>T, p.Gln250His (NM_001193640.2); c.879A>T, p.Gln293His (NM_001257965.2); c.1086A>T, p.Gln362His (NM_001257966.2); short protein forms Q250H, Q362H, Q293H.
Identifiers: ClinVar variation 862560 (VCV000862560.9), dbSNP rs1022182632, ClinGen allele CA36049990.

ClinVar aggregate classification (germline): Uncertain significance. Review status: criteria provided, multiple submitters, no conflicts (2 of 4 stars). 3 submissions from 3 submitters: Uncertain significance (2). 1 of the submissions does not count toward it. Last evaluated 2024-10-09.

Conditions:
Inborn genetic diseases. Identifiers: MedGen C0950123, MeSH D030342.
Retinitis pigmentosa 12 (RP12). Also called: RP WITH OR WITHOUT PPRPE; RP WITH OR WITHOUT PRESERVED PARAARTERIOLE RETINAL PIGMENT EPITHELIUM; RETINITIS PIGMENTOSA WITH OR WITHOUT PARAARTERIOLAR PRESERVATION OF RETINAL PIGMENT EPITHELIUM. Identifiers: Orphanet 791, MedGen C1838647, MONDO:0010818, OMIM 600105.
Leber congenital amaurosis 8 (LCA8). Identifiers: Orphanet 65, MedGen C3151202, MONDO:0013453, OMIM 613835.
Leber congenital amaurosis (LCA). Also called: Leber's amaurosis. Identifiers: Orphanet 65, MedGen C0339527, MeSH D057130, MONDO:0018998.

Allele frequency attached by ClinVar (database versions not stated): gnomAD 0.00001; gnomAD exomes 0.00001 and 0.00002; TOPMed 0.00001.
gnomAD v4.1: 18 of 1,614,094 alleles (0.0011%); highest among the groups gnomAD compares: Non-Finnish European, 0.0014%; no homozygotes.

Submissions (3):

Ambry Genetics
Classification: Uncertain significance for Inborn genetic diseases. Last evaluated: 2024-10-09. Review status: criteria provided, single submitter. Criteria: Ambry Variant Classification Scheme 2023. Collection method: clinical testing. Allele origin: germline.

Labcorp Genetics (formerly Invitae), Labcorp
Classification: Uncertain significance for Leber congenital amaurosis 8; Retinitis pigmentosa 12. Last evaluated: 2021-08-24. Review status: criteria provided, single submitter. Criteria: Invitae Variant Classification Sherloc (09022015). Collection method: clinical testing. Allele origin: germline.
Comment: This sequence change replaces glutamine with histidine at codon 362 of the CRB1 protein (p.Gln362His). The glutamine residue is moderately conserved and there is a small physicochemical difference between glutamine and histidine. This variant is not present in population databases (ExAC no frequency). This variant has not been reported in the literature in individuals affected with CRB1-related conditions. Algorithms developed to predict the effect of missense changes on protein structure and function output the following: SIFT: "Tolerated"; PolyPhen-2: "Benign"; Align-GVGD: "Class C0". The histidine amino acid residue is found in multiple mammalian species, which suggests that this missense change does not adversely affect protein function. In summary, the available evidence is currently insufficient to determine the role of this variant in disease. Therefore, it has been classified as a Variant of Uncertain Significance.

Natera, Inc.
Classification: Uncertain significance for Leber congenital amaurosis. Last evaluated: 2021-06-23. Review status: no assertion criteria provided. Collection method: clinical testing. Allele origin: germline. Not counted in ClinVar's aggregate classification.